The following is an entry in ClinVar:

ClinVar aggregate classification (germline): Uncertain significance (1 of 4 stars; one submission).

Conditions:
Early-infantile DEE. Also called: Early infantile epileptic encephalopathy; Ohtahara syndrome; Early infantile epileptic encephalopathy with suppression bursts. Identifiers: Orphanet 1934, MedGen C0393706, MONDO:0800491.

Allele frequency attached by ClinVar (database versions not stated): gnomAD exomes 0.00001; gnomAD 0.00001; TOPMed 0.00002; ExAC 0.00003.
gnomAD v4.1: 12 of 1,589,662 alleles (0.00075%); highest among the groups gnomAD compares: South Asian, 0.0089%; no homozygotes.

Submission:

Labcorp Genetics (formerly Invitae), Labcorp
Classification: Uncertain significance for Early-infantile DEE. Last evaluated: 2023-03-30. Review status: criteria provided, single submitter. Criteria: Invitae Variant Classification Sherloc (09022015). Collection method: clinical testing. Allele origin: germline.
Comment: An algorithm developed to predict the effect of missense changes on protein structure and function (PolyPhen-2) suggests that this variant is likely to be disruptive. This sequence change replaces arginine, which is basic and polar, with cysteine, which is neutral and slightly polar, at codon 677 of the KCNH5 protein (p.Arg677Cys). This variant is present in population databases (rs750874924, gnomAD 0.01%). This variant has not been reported in the literature in individuals affected with KCNH5-related conditions. In summary, the available evidence is currently insufficient to determine the role of this variant in disease. Therefore, it has been classified as a Variant of Uncertain Significance.

NM_139318.5(KCNH5):c.2029C>T (p.Arg677Cys)

Gene: KCNH5 (potassium voltage-gated channel subfamily H member 5; minus strand). Cytogenetic location: 14q23.2.
Variant type: single nucleotide variant.
Coding change: c.2029C>T on transcript NM_139318.5 (MANE Select); coding-DNA position 2029, C replaced by T.
Protein change: p.Arg677Cys; replaces arginine 677 with cysteine.
Molecular consequence: missense variant.
Genome position (GRCh38, 1-based): chr14:62,708,446, G>A on the plus strand (C>T on the coding strand, the complement: KCNH5 is on the minus strand). VCF-style: chr14-62708446-G-A. GRCh37 (hg19) VCF-style: chr14-63175164-G-A.
Other names: c.1832C>T, p.Ser611Leu (NM_172375.3); short protein forms S611L, R677C.
Identifiers: ClinVar variation 2913509 (VCV002913509.3), dbSNP rs750874924, ClinGen allele CA7217332.